The following is an entry in ClinVar:

ClinVar aggregate classification (germline): Uncertain significance (1 of 4 stars; one submission).

Conditions:
Perlman syndrome (PRLMNS). Identifiers: Orphanet 2849, MedGen C0796113, MONDO:0009965, OMIM 267000.

gnomAD v4.1: 1 of 1,611,408 alleles (0.000062%); no homozygotes.

Submission:

Labcorp Genetics (formerly Invitae), Labcorp
Classification: Uncertain significance for Perlman syndrome. Last evaluated: 2023-10-25. Review status: criteria provided, single submitter. Criteria: Invitae Variant Classification Sherloc (09022015). Collection method: clinical testing. Allele origin: germline.
Comment: This sequence change replaces glutamic acid, which is acidic and polar, with valine, which is neutral and non-polar, at codon 847 of the DIS3L2 protein (p.Glu847Val). This variant is not present in population databases (gnomAD no frequency). This variant has not been reported in the literature in individuals affected with DIS3L2-related conditions. Advanced modeling of protein sequence and biophysical properties (such as structural, functional, and spatial information, amino acid conservation, physicochemical variation, residue mobility, and thermodynamic stability) performed at Invitae indicates that this missense variant is not expected to disrupt DIS3L2 protein function with a negative predictive value of 80%. In summary, the available evidence is currently insufficient to determine the role of this variant in disease. Therefore, it has been classified as a Variant of Uncertain Significance.

NM_152383.5(DIS3L2):c.2540A>T (p.Glu847Val)

Gene: DIS3L2 (DIS3 like 3'-5' exoribonuclease 2; plus strand). Cytogenetic location: 2q37.1.
Variant type: single nucleotide variant.
Coding change: c.2540A>T on transcript NM_152383.5 (MANE Select); coding-DNA position 2540, A replaced by T.
Protein change: p.Glu847Val; replaces glutamic acid 847 with valine.
Molecular consequence: missense variant. On other transcripts: non-coding transcript variant (2), intron variant (1).
Genome position (GRCh38, 1-based): chr2:232,336,512, A>T. VCF-style: chr2-232336512-A-T. GRCh37 (hg19) VCF-style: chr2-233201222-A-T.
Other names: c.1582-6833A>T (NM_001257281.2); short protein forms E847V.
Identifiers: ClinVar variation 2779170 (VCV002779170.3), dbSNP rs1695954431, ClinGen allele CA350978923.